The following is an entry in ClinVar:

ClinVar aggregate classification (germline): Uncertain significance (1 of 4 stars; one submission).

Allele frequency attached by ClinVar (database versions not stated): TOPMed below 0.00001; ESP Exome Variant Server 0.00008.
gnomAD v4.1: 3 of 1,613,794 alleles (0.00019%); highest among the groups gnomAD compares: Non-Finnish European, 0.00017%; no homozygotes.

Submission:

Labcorp Genetics (formerly Invitae), Labcorp
Classification: Uncertain significance. Last evaluated: 2024-10-30. Review status: criteria provided, single submitter. Criteria: Invitae Variant Classification Sherloc (09022015). Collection method: clinical testing. Allele origin: germline.
Comment: This sequence change replaces valine, which is neutral and non-polar, with alanine, which is neutral and non-polar, at codon 246 of the CNOT1 protein (p.Val246Ala). This variant is present in population databases (rs144347520, gnomAD 0.002%). This variant has not been reported in the literature in individuals affected with CNOT1-related conditions. ClinVar contains an entry for this variant (Variation ID: 2122755). An algorithm developed to predict the effect of missense changes on protein structure and function (PolyPhen-2) suggests that this variant is likely to be tolerated. In summary, the available evidence is currently insufficient to determine the role of this variant in disease. Therefore, it has been classified as a Variant of Uncertain Significance.

NM_016284.5(CNOT1):c.737T>C (p.Val246Ala)

Gene: CNOT1 (CCR4-NOT transcription complex subunit 1; minus strand). Cytogenetic location: 16q21.
Variant type: single nucleotide variant.
Coding change: c.737T>C on transcript NM_016284.5 (MANE Select); coding-DNA position 737, T replaced by C.
Protein change: p.Val246Ala; replaces valine 246 with alanine.
Molecular consequence: missense variant. On other transcripts: non-coding transcript variant (1).
Genome position (GRCh38, 1-based): chr16:58,585,407, A>G on the plus strand (T>C on the coding strand, the complement: CNOT1 is on the minus strand). VCF-style: chr16-58585407-A-G. GRCh37 (hg19) VCF-style: chr16-58619311-A-G.
Other names: c.737T>C, p.Val246Ala (NM_001265612.2, NM_206999.3); short protein forms V246A.
Identifiers: ClinVar variation 2122755 (VCV002122755.4), dbSNP rs144347520, ClinGen allele CA281685371.